The following is an entry in ClinVar:

ClinVar aggregate classification (germline): Pathogenic (1 of 4 stars; one submission).

Submission:

GeneDx
Classification: Pathogenic. Last evaluated: 2023-11-05. Review status: criteria provided, single submitter. Criteria: GeneDx Variant Classification Process June 2021. Collection method: clinical testing. Allele origin: germline. Affected: yes.
Comment: Nonsense variant predicted to result in protein truncation or nonsense mediated decay in a gene for which loss of function is a known mechanism of disease; Not observed at significant frequency in large population cohorts (gnomAD); Has not been previously published as pathogenic or benign to our knowledge

NM_017934.7(PHIP):c.241C>T (p.Arg81Ter)

Gene: PHIP (PHIP subunit of CUL4-Ring ligase complex; minus strand). Cytogenetic location: 6q14.1.
Variant type: single nucleotide variant.
Coding change: c.241C>T on transcript NM_017934.7 (MANE Select); coding-DNA position 241, C replaced by T.
Protein change: p.Arg81Ter; replaces arginine 81 with a stop codon.
Molecular consequence: nonsense.
Genome position (GRCh38, 1-based): chr6:79,060,767, G>A on the plus strand (C>T on the coding strand, the complement: PHIP is on the minus strand). VCF-style: chr6-79060767-G-A. GRCh37 (hg19) VCF-style: chr6-79770484-G-A.
Other names: short protein forms R81*.
Identifiers: ClinVar variation 1710707 (VCV001710707.3), dbSNP rs2482350552, ClinGen allele CA364651386.